The following is an entry in ClinVar:

ClinVar aggregate classification (germline): Uncertain significance. Review status: criteria provided, multiple submitters, no conflicts (2 of 4 stars). 2 submissions from 2 submitters: Uncertain significance (2). Last evaluated 2022-12-19.

Conditions:
Neurofibromatosis, type 1 (NF1). Also called: NEUROFIBROMATOSIS, TYPE I, SOMATIC; Peripheral type neurofibromatosis; VON RECKLINGHAUSEN DISEASE; Neurofibromatosis, type I. Identifiers: Orphanet 636, MedGen C0027831, MONDO:0018975, OMIM 162200. Disease mechanism: loss of function.
Hereditary cancer-predisposing syndrome. Also called: Neoplastic Syndromes, Hereditary; Tumor predisposition; Hereditary neoplastic syndrome; Hereditary Cancer Syndrome. Identifiers: Orphanet 140162, MedGen C0027672, MeSH D009386, MONDO:0015356.
Cardiovascular phenotype. Identifiers: MedGen CN230736.

Submissions (2):

Labcorp Genetics (formerly Invitae), Labcorp
Classification: Uncertain significance for Neurofibromatosis, type 1. Last evaluated: 2022-12-19. Review status: criteria provided, single submitter. Criteria: Invitae Variant Classification Sherloc (09022015). Collection method: clinical testing. Allele origin: germline.
Comment: This sequence change replaces glutamine, which is neutral and polar, with lysine, which is basic and polar, at codon 1010 of the NF1 protein (p.Gln1010Lys). This variant is not present in population databases (gnomAD no frequency). This variant has not been reported in the literature in individuals affected with NF1-related conditions. ClinVar contains an entry for this variant (Variation ID: 1798981). Advanced modeling of protein sequence and biophysical properties (such as structural, functional, and spatial information, amino acid conservation, physicochemical variation, residue mobility, and thermodynamic stability) performed at Invitae indicates that this missense variant is not expected to disrupt NF1 protein function. In summary, the available evidence is currently insufficient to determine the role of this variant in disease. Therefore, it has been classified as a Variant of Uncertain Significance.

Ambry Genetics
Classification: Uncertain significance for Cardiovascular phenotype; Hereditary cancer-predisposing syndrome. Last evaluated: 2022-01-03. Review status: criteria provided, single submitter. Criteria: Ambry Variant Classification Scheme 2023. Collection method: clinical testing. Allele origin: germline.
Comment: The p.Q1010K variant (also known as c.3028C>A), located in coding exon 23 of the NF1 gene, results from a C to A substitution at nucleotide position 3028. The glutamine at codon 1010 is replaced by lysine, an amino acid with similar properties. This amino acid position is conserved. In addition, the in silico prediction for this alteration is inconclusive. Since supporting evidence is limited at this time, the clinical significance of this alteration remains unclear.

NM_001042492.3(NF1):c.3028C>A (p.Gln1010Lys)

Gene: NF1 (neurofibromin 1; plus strand). Cytogenetic location: 17q11.2.
Variant type: single nucleotide variant.
Coding change: c.3028C>A on transcript NM_001042492.3 (MANE Select); coding-DNA position 3028, C replaced by A.
Protein change: p.Gln1010Lys; replaces glutamine 1010 with lysine.
Molecular consequence: missense variant.
Genome position (GRCh38, 1-based): chr17:31,230,297, C>A. VCF-style: chr17-31230297-C-A. GRCh37 (hg19) VCF-style: chr17-29557315-C-A.
Other names: c.3028C>A, p.Gln1010Lys (NM_000267.4); short protein forms Q1010K.
Identifiers: ClinVar variation 1798981 (VCV001798981.5), dbSNP rs2151431557, ClinGen allele CA398986631.